The following is an entry in ClinVar:

ClinVar aggregate classification (germline): Uncertain significance. Review status: criteria provided, multiple submitters, no conflicts (2 of 4 stars). 2 submissions from 2 submitters: Uncertain significance (2). Last evaluated 2024-03-07.

Conditions:
Gamma-aminobutyric acid transaminase deficiency (GABATD). Also called: GABA aminotransaminase deficiency; GABA transaminase deficiency; Gamma aminobutyrate transaminase deficiency; 4 alpha aminobutyrate transaminase deficiency. Identifiers: Orphanet 2066, MedGen C0342708, MONDO:0013166, OMIM 613163.

Allele frequency attached by ClinVar (database versions not stated): ExAC 0.00003; gnomAD 0.00003; gnomAD exomes 0.00004 and 0.00006; TOPMed 0.00007; ESP Exome Variant Server 0.00008.
gnomAD v4.1: 88 of 1,614,026 alleles (0.0055%); highest among the groups gnomAD compares: Middle Eastern, 0.033%; 1 homozygote.

Submissions (3):

Blueprint Genetics
Classification: Uncertain significance. Last evaluated: 2024-03-07. Review status: criteria provided, single submitter. Criteria: ACMG Guidelines, 2015. Collection method: clinical testing. Allele origin: germline.

Labcorp Genetics (formerly Invitae), Labcorp
Classification: Uncertain significance for Gamma-aminobutyric acid transaminase deficiency. Last evaluated: 2022-07-30. Review status: criteria provided, single submitter. Criteria: Invitae Variant Classification Sherloc (09022015). Collection method: clinical testing. Allele origin: germline.
Comment: This sequence change replaces arginine, which is basic and polar, with glutamine, which is neutral and polar, at codon 450 of the ABAT protein (p.Arg450Gln). This variant is present in population databases (rs374692453, gnomAD 0.006%). This variant has not been reported in the literature in individuals affected with ABAT-related conditions. ClinVar contains an entry for this variant (Variation ID: 529789). Algorithms developed to predict the effect of missense changes on protein structure and function are either unavailable or do not agree on the potential impact of this missense change (SIFT: "Deleterious"; PolyPhen-2: "Probably Damaging"; Align-GVGD: "Class C0"). Algorithms developed to predict the effect of sequence changes on RNA splicing suggest that this variant may create or strengthen a splice site. In summary, the available evidence is currently insufficient to determine the role of this variant in disease. Therefore, it has been classified as a Variant of Uncertain Significance.

Dr. Peter K. Rogan Lab, Western University
No classification provided (evidence only). Condition: Gastric cancer. Review status: no classification provided. Collection method: in vitro. Allele origin: not applicable. Functional consequence: retained intron. Not counted in ClinVar's aggregate classification.

NM_020686.6(ABAT):c.1349G>A (p.Arg450Gln)

Gene: ABAT (4-aminobutyrate aminotransferase; plus strand). Cytogenetic location: 16p13.2.
Variant type: single nucleotide variant.
Coding change: c.1349G>A on transcript NM_020686.6 (MANE Select); coding-DNA position 1349, G replaced by A.
Protein change: p.Arg450Gln; replaces arginine 450 with glutamine.
Molecular consequence: missense variant. On other transcripts: intron variant (1).
Genome position (GRCh38, 1-based): chr16:8,779,558, G>A. VCF-style: chr16-8779558-G-A. GRCh37 (hg19) VCF-style: chr16-8873415-G-A.
Other names: c.1349G>A, p.Arg450Gln (NM_000663.5, NM_001127448.2, NM_001386600.1 and 5 more transcripts); c.1310G>A, p.Arg437Gln (NM_001386605.1); c.1286G>A, p.Arg429Gln (NM_001386606.1, NM_001386607.1); c.1256G>A, p.Arg419Gln (NM_001386608.1); c.1214G>A, p.Arg405Gln (NM_001386610.1, NM_001386611.1); c.1151G>A, p.Arg384Gln (NM_001386612.1, NM_001386613.1); c.1103G>A, p.Arg368Gln (NM_001386614.1); c.1445G>A, p.Arg482Gln (NM_001386615.1); and 1 more; short protein forms R450Q, R368Q, R384Q, R405Q, R419Q, R429Q, R437Q, R482Q.
Identifiers: ClinVar variation 529789 (VCV000529789.8), dbSNP rs374692453, ClinGen allele CA7893528.